The following is an entry in ClinVar:

NM_206933.4(USH2A):c.573A>G (p.Val191=)

Gene: USH2A (usherin; minus strand). Cytogenetic location: 1q41.
Variant type: single nucleotide variant.
Coding change: c.573A>G on transcript NM_206933.4 (MANE Select); coding-DNA position 573, A replaced by G.
Protein change: p.Val191=; no amino-acid change (valine 191 retained).
Molecular consequence: synonymous variant.
Genome position (GRCh38, 1-based): chr1:216,418,592, T>C on the plus strand (A>G on the coding strand, the complement: USH2A is on the minus strand). VCF-style: chr1-216418592-T-C. GRCh37 (hg19) VCF-style: chr1-216591934-T-C.
Other names: c.573A>G, p.Val191= (NM_007123.6).
Identifiers: ClinVar variation 48540 (VCV000048540.26), dbSNP rs73102592, ClinGen allele CA143529.

ClinVar aggregate classification (germline): Benign. Review status: criteria provided, multiple submitters, no conflicts (2 of 4 stars). 11 submissions from 9 submitters: Benign (10). 1 of the submissions does not count toward it. Last evaluated 2026-02-04.

Conditions:
Retinal dystrophy. Also called: Inherited retinal dystrophy. Identifiers: Orphanet 71862, MedGen C0854723, MeSH D058499, MONDO:0019118, HP:0000556.
Retinitis pigmentosa (RP). Identifiers: Orphanet 791, MedGen C0035334, MeSH D012174, MONDO:0019200, OMIM 268000. Inheritance: Autosomal dominant, autosomal recessive and X linked inheritance.
Usher syndrome type 2A. Also called: RETINAL DISEASE IN USHER SYNDROME TYPE IIA, MODIFIER OF; USHER SYNDROME, TYPE IIA. Identifiers: Orphanet 231178, Orphanet 886, MedGen C1848634, MONDO:0010169, OMIM 276901.
Retinitis pigmentosa 39 (RP39). Identifiers: Orphanet 791, MedGen C3151138, MONDO:0013436, OMIM 613809.

Allele frequency attached by ClinVar (database versions not stated): ExAC 0.00829; gnomAD 0.01964 and 0.02039; ESP Exome Variant Server 0.02014; TOPMed 0.02167; 1000 Genomes Project 0.02676; 1000 Genomes Project 30x 0.02873.
gnomAD v4.1: 7,473 of 1,613,368 alleles (0.46%); highest among the groups gnomAD compares: African/African-American, 6.1%; 167 homozygotes.

Submissions (11):

Labcorp Genetics (formerly Invitae), Labcorp
Classification: Benign. Last evaluated: 2026-02-04. Review status: criteria provided, single submitter. Criteria: Invitae Variant Classification Sherloc (09022015). Collection method: clinical testing. Allele origin: germline.

ARUP Laboratories, Molecular Genetics and Genomics, ARUP Laboratories
Classification: Benign. Last evaluated: 2023-11-28. Review status: criteria provided, single submitter. Criteria: ARUP Molecular Germline Variant Investigation Process 2024. Collection method: clinical testing. Allele origin: germline.

Genome-Nilou Lab
Classification: Benign for Retinitis pigmentosa 39. Last evaluated: 2023-11-04. Review status: criteria provided, single submitter. Criteria: ACMG Guidelines, 2015. Collection method: clinical testing. Allele origin: germline. Affected: no.

Genome-Nilou Lab
Classification: Benign for Usher syndrome type 2A. Last evaluated: 2023-11-04. Review status: criteria provided, single submitter. Criteria: ACMG Guidelines, 2015. Collection method: clinical testing. Allele origin: germline. Affected: no.

Dept Of Ophthalmology, Nagoya University
Classification: Benign for Retinal dystrophy. Last evaluated: 2023-10-01. Review status: criteria provided, single submitter. Criteria: Submitter's publication. Collection method: research. Allele origin: germline. Affected: yes.

Illumina Laboratory Services, Illumina
Classification: Benign for Usher syndrome type 2A. Last evaluated: 2019-03-20. Review status: criteria provided, single submitter. Criteria: ICSL Variant Classification Criteria 13 December 2019. Collection method: clinical testing. Allele origin: germline.
Comment: This variant was observed as part of a predisposition screen in an ostensibly healthy population. A literature search was performed for the gene, cDNA change, and amino acid change (where applicable). Publications were found based on this search. The evidence from the literature, in combination with allele frequency data from public databases where available, was sufficient to rule this variant out of causing disease. Therefore, this variant is classified as benign.

Illumina Laboratory Services, Illumina
Classification: Benign for Retinitis pigmentosa. Last evaluated: 2019-03-20. Review status: criteria provided, single submitter. Criteria: ICSL Variant Classification Criteria 13 December 2019. Collection method: clinical testing. Allele origin: germline.
Comment: This variant was observed as part of a predisposition screen in an ostensibly healthy population. A literature search was performed for the gene, cDNA change, and amino acid change (where applicable). No publications were found based on this search. Allele frequency data from public databases was too high to be consistent with this variant causing disease. Therefore, this variant is classified as benign.

GeneDx
Classification: Benign. Last evaluated: 2015-03-03. Review status: criteria provided, single submitter. Criteria: GeneDx Variant Classification Process June 2021. Collection method: clinical testing. Allele origin: germline. Affected: yes.

Laboratory for Molecular Medicine, Mass General Brigham Personalized Medicine
Classification: Benign. Last evaluated: 2010-08-17. Review status: criteria provided, single submitter. Criteria: LMM Criteria. Collection method: clinical testing. Allele origin: germline. Observed: 31 variant alleles.
Comment: Val191Val in exon 3 of USH2A: This variant is not expected to have clinical sign ificance because it does not alter an amino acid residue, is not located near a splice junction, is listed in dbSNP (rs73102592 - no frequency data), and is rep orted as benign in one publication (Bernal 2005).

Breakthrough Genomics
Classification: Benign. Review status: criteria provided, single submitter. Criteria: ACMG Guidelines, 2015. Collection method: not provided. Allele origin: germline. Inheritance: Autosomal recessive inheritance. Affected: yes.

Natera, Inc.
Classification: Benign for Usher syndrome type 2A. Last evaluated: 2020-09-16. Review status: no assertion criteria provided. Collection method: clinical testing. Allele origin: germline. Not counted in ClinVar's aggregate classification.

Literature cited by the submitters: PubMed 16098008 (cited by Illumina Laboratory Services, Illumina and Laboratory for Molecular Medicine, Mass General Brigham Personalized Medicine); PubMed 19737284 (cited by Illumina Laboratory Services, Illumina).